The following is an entry in ClinVar:

ClinVar aggregate classification (germline): Benign. Review status: criteria provided, multiple submitters, no conflicts (2 of 4 stars). 5 submissions from 5 submitters: Benign (5). Last evaluated 2026-01-25.

Conditions:
Hereditary intrinsic factor deficiency (IFD). Also called: PERNICIOUS ANEMIA, CONGENITAL, DUE TO DEFECT OF INTRINSIC FACTOR; Congenital intrinsic factor deficiency. Identifiers: Orphanet 332, MedGen C2062370, MONDO:0009852, OMIM 261000.

Allele frequency attached by ClinVar (database versions not stated): ESP Exome Variant Server 0.00192; gnomAD 0.00921 and 0.01024; TOPMed 0.01578; 1000 Genomes Project 0.02935; 1000 Genomes Project 30x 0.02967.
gnomAD v4.1: 11,085 of 1,614,002 alleles (0.69%); highest among the groups gnomAD compares: Admixed American, 10%; 548 homozygotes.

Submissions (5):

Labcorp Genetics (formerly Invitae), Labcorp
Classification: Benign for Hereditary intrinsic factor deficiency. Last evaluated: 2026-01-25. Review status: criteria provided, single submitter. Criteria: Invitae Variant Classification Sherloc (09022015). Collection method: clinical testing. Allele origin: germline.

Mayo Clinic Laboratories, Mayo Clinic
Classification: Benign. Last evaluated: 2021-11-19. Review status: criteria provided, single submitter. Criteria: ACMG Guidelines, 2015. Collection method: clinical testing. Allele origin: germline. Observed: 4 variant alleles.

GeneDx
Classification: Benign. Last evaluated: 2021-05-04. Review status: criteria provided, single submitter. Criteria: GeneDx Variant Classification Process June 2021. Collection method: clinical testing. Allele origin: germline. Affected: yes.

Illumina Laboratory Services, Illumina
Classification: Benign for Hereditary intrinsic factor deficiency. Last evaluated: 2018-01-12. Review status: criteria provided, single submitter. Criteria: ICSL Variant Classification Criteria 13 December 2019. Collection method: clinical testing. Allele origin: germline.
Comment: This variant was observed in the ICSL laboratory as part of a predisposition screen in an ostensibly healthy population. It had not been previously curated by ICSL or reported in the Human Gene Mutation Database (HGMD: prior to June 1st, 2018), and was therefore a candidate for classification through an automated scoring system. Utilizing variant allele frequency, disease prevalence and penetrance estimates, and inheritance mode, an automated score was calculated to assess if this variant is too frequent to cause the disease. Based on the score and internal cut-off values, a variant classified as benign is not then subjected to further curation. The score for this variant resulted in a classification of benign for this disease.

Breakthrough Genomics
Classification: Benign. Review status: criteria provided, single submitter. Criteria: ACMG Guidelines, 2015. Collection method: not provided. Allele origin: germline. Inheritance: Autosomal recessive inheritance. Affected: yes.

NM_005142.3(CBLIF):c.990C>T (p.Asn330=)

Gene: CBLIF (cobalamin binding intrinsic factor; minus strand). Cytogenetic location: 11q12.1.
Variant type: single nucleotide variant.
Coding change: c.990C>T on transcript NM_005142.3 (MANE Select); coding-DNA position 990, C replaced by T.
Protein change: p.Asn330=; no amino-acid change (asparagine 330 retained).
Molecular consequence: synonymous variant.
Genome position (GRCh38, 1-based): chr11:59,835,891, G>A on the plus strand (C>T on the coding strand, the complement: CBLIF is on the minus strand). VCF-style: chr11-59835891-G-A. GRCh37 (hg19) VCF-style: chr11-59603364-G-A.
Other names: p.Asn330=.
Identifiers: ClinVar variation 305031 (VCV000305031.17), dbSNP rs2867802, ClinGen allele CA6021437.